The following is an entry in ClinVar:

ClinVar aggregate classification (germline): Uncertain significance (1 of 4 stars; one submission).

Conditions:
Noonan syndrome 9 (NS9). Identifiers: Orphanet 648, MedGen C4225282, MONDO:0014691, OMIM 616559.

Submission:

Labcorp Genetics (formerly Invitae), Labcorp
Classification: Uncertain significance for Noonan syndrome 9. Last evaluated: 2023-03-20. Review status: criteria provided, single submitter. Criteria: Invitae Variant Classification Sherloc (09022015). Collection method: clinical testing. Allele origin: germline.
Comment: In summary, the available evidence is currently insufficient to determine the role of this variant in disease. Therefore, it has been classified as a Variant of Uncertain Significance. This sequence change replaces methionine, which is neutral and non-polar, with valine, which is neutral and non-polar, at codon 536 of the SOS2 protein (p.Met536Val). This variant is not present in population databases (gnomAD no frequency). This variant has not been reported in the literature in individuals affected with SOS2-related conditions. Advanced modeling of protein sequence and biophysical properties (such as structural, functional, and spatial information, amino acid conservation, physicochemical variation, residue mobility, and thermodynamic stability) performed at Invitae indicates that this missense variant is expected to disrupt SOS2 protein function.

NM_006939.4(SOS2):c.1606A>G (p.Met536Val)

Gene: SOS2 (SOS Ras/Rho guanine nucleotide exchange factor 2; minus strand). Cytogenetic location: 14q21.3.
Variant type: single nucleotide variant.
Coding change: c.1606A>G on transcript NM_006939.4 (MANE Select); coding-DNA position 1606, A replaced by G.
Protein change: p.Met536Val; replaces methionine 536 with valine.
Molecular consequence: missense variant.
Genome position (GRCh38, 1-based): chr14:50,159,677, T>C on the plus strand (A>G on the coding strand, the complement: SOS2 is on the minus strand). VCF-style: chr14-50159677-T-C. GRCh37 (hg19) VCF-style: chr14-50626395-T-C.
Other names: c.1507A>G, p.Met503Val (NM_001411020.1); short protein forms M503V, M536V.
Identifiers: ClinVar variation 2837218 (VCV002837218.3), dbSNP rs2502989323, ClinGen allele CA389645381.
Genomic context (GRCh38, chr14:50,159,677, plus strand): 5'-ATACTGAATCTAACATTCGATCTAGAGTACTACGATAATGAAGAGAAATAAGGGCTGCCA[T>C]CCAGTTGTTTTTTTCTTCAGCAGACTTAGCAGCAAATATTATGCTGTTCTCATCTTTGGA-3'
Protein context (NP_008870.2, residues 526-546): AKSAEEKNNW[Met536Val]AALISLHYRS